The following is an entry in ClinVar:

ClinVar aggregate classification (germline): Uncertain significance (1 of 4 stars; one submission).

Conditions:
Hereditary cancer-predisposing syndrome. Also called: Neoplastic Syndromes, Hereditary; Tumor predisposition; Hereditary Cancer Syndrome; Hereditary neoplastic syndrome. Identifiers: Orphanet 140162, MedGen C0027672, MeSH D009386, MONDO:0015356.

Submission:

Ambry Genetics
Classification: Uncertain significance for Hereditary cancer-predisposing syndrome. Last evaluated: 2026-01-23. Review status: criteria provided, single submitter. Criteria: Ambry Variant Classification Scheme 2023. Collection method: clinical testing. Allele origin: germline.
Comment: The c.770_771delGGinsTT variant (also known as p.W257F), located in coding exon 7 of the TSC2 gene, results from an in-frame deletion of GG and insertion of TT at nucleotide positions 770 to 771. This results in the substitution of the tryptophan residue for a phenylalanine residue at codon 257, an amino acid with highly similar properties. This amino acid position is highly conserved in available vertebrate species. Based on the available evidence, the clinical significance of this variant remains unclear.

NM_000548.5(TSC2):c.770_771delinsTT (p.Trp257Phe)

Gene: TSC2 (TSC complex subunit 2; plus strand). Cytogenetic location: 16p13.3.
Variant type: Indel.
Coding change: c.770_771delinsTT on transcript NM_000548.5 (MANE Select); coding-DNA positions 770 to 771, GG replaced by TT.
Protein change: p.Trp257Phe; replaces tryptophan 257 with phenylalanine.
Molecular consequence: missense variant. On other transcripts: 5 prime UTR variant (10), non-coding transcript variant (5).
Genome position (GRCh38, 1-based): chr16:2,056,765-2,056,766, GG replaced by TT. VCF-style: chr16-2056765-GG-TT. GRCh37 (hg19) VCF-style: chr16-2106766-GG-TT.
Other names: c.770_771delinsTT, p.Trp257Phe (NM_001077183.3, NM_001114382.3, NM_001363528.2 and 6 more transcripts); c.659_660delinsTT, p.Trp220Phe (NM_001318827.2, NM_001406670.1, NM_001406678.1); c.623_624delinsTT, p.Trp208Phe (NM_001318829.2, NM_001406675.1, NM_001406676.1 and 1 more transcripts); c.170_171delinsTT, p.Trp57Phe (NM_001318831.2, NM_001406680.1, NM_001406682.1 and 6 more transcripts); c.803_804delinsTT, p.Trp268Phe (NM_001318832.2); c.860_861delinsTT, p.Trp287Phe (NM_001406667.1, NM_001406668.1); c.758_759delinsTT, p.Trp253Phe (NM_001406671.1, NM_001406673.1); c.713_714delinsTT, p.Trp238Phe (NM_001406677.1); and 4 more; short protein forms W268F, W287F, W103F, W238F, W257F, W57F, W208F, W220F.
Identifiers: ClinVar variation 4842421 (VCV004842421.1).